The following is an entry in ClinVar:

NM_005993.5(TBCD):c.2682C>T (p.Ile894=)

Gene: TBCD (tubulin folding cofactor D). Cytogenetic location: 17q25.3.
Variant type: single nucleotide variant.
Coding change: c.2682C>T on transcript NM_005993.5 (MANE Select); coding-DNA position 2682, C replaced by T.
Protein change: p.Ile894=; no amino-acid change (isoleucine 894 retained).
Molecular consequence: synonymous variant.
Genome position (GRCh38, 1-based): chr17:82,927,977, C>T. VCF-style: chr17-82927977-C-T. GRCh37 (hg19) VCF-style: chr17-80885853-C-T.
Other names: c.2631C>T, p.Ile877= (NM_001411101.1); c.2601C>T, p.Ile867= (NM_001411102.1).
Identifiers: ClinVar variation 2902529 (VCV002902529.5), dbSNP rs376571705, ClinGen allele CA8863183.
Genomic context (GRCh38, chr17:82,927,977, plus strand): 5'-CGCCATGACCAGTCTGATGGATCTGACACTTCTGCTGGCTCGGAGCCAGCCTGAGCTGAT[C>T]GAGGCCCATACGTGAGTGTCACGTCGCAGCTCTTCTGCATCCTAGAGGGCAGCCCCGAGC-3'
Protein context (NP_005984.3, residues 884-904): LLLARSQPEL[Ile894=]EAHTCERIMC

ClinVar aggregate classification (germline): Likely benign. Review status: criteria provided, multiple submitters, no conflicts (2 of 4 stars). 2 submissions from 2 submitters: Likely benign (2). Last evaluated 2026-06-01.

Allele frequency attached by ClinVar (database versions not stated): TOPMed 0.00004; ExAC 0.00007; gnomAD 0.00007; ESP Exome Variant Server 0.00008.
gnomAD v4.1: 96 of 1,611,326 alleles (0.006%); highest among the groups gnomAD compares: Non-Finnish European, 0.0075%; no homozygotes.

Submissions (2):

CeGaT Center for Human Genetics Tuebingen
Classification: Likely benign. Last evaluated: 2026-06-01. Review status: criteria provided, single submitter. Criteria: CeGaT Center For Human Genetics Tuebingen Variant Classification Criteria Version 2. Collection method: clinical testing. Allele origin: germline. Affected: yes. Observed: 1 variant allele.
Comment: TBCD: BP4, BP7

Labcorp Genetics (formerly Invitae), Labcorp
Classification: Likely benign. Last evaluated: 2024-02-06. Review status: criteria provided, single submitter. Criteria: Invitae Variant Classification Sherloc (09022015). Collection method: clinical testing. Allele origin: germline.